The following is an entry in ClinVar:

NM_000057.4(BLM):c.3069G>T (p.Leu1023Phe)

Gene: BLM (BLM RecQ like helicase; plus strand). Cytogenetic location: 15q26.1.
Variant type: single nucleotide variant.
Coding change: c.3069G>T on transcript NM_000057.4 (MANE Select); coding-DNA position 3069, G replaced by T.
Protein change: p.Leu1023Phe; replaces leucine 1023 with phenylalanine.
Molecular consequence: missense variant.
Genome position (GRCh38, 1-based): chr15:90,794,216, G>T. VCF-style: chr15-90794216-G-T. GRCh37 (hg19) VCF-style: chr15-91337446-G-T.
Other names: c.3069G>T, p.Leu1023Phe (NM_001287246.2, NM_001287247.2); c.1944G>T, p.Leu648Phe (NM_001287248.2); short protein forms L1023F, L648F.
Identifiers: ClinVar variation 1799452 (VCV001799452.3), dbSNP rs1166000935, ClinGen allele CA393846759.

ClinVar aggregate classification (germline): Uncertain significance (1 of 4 stars; one submission).

Conditions:
Hereditary cancer-predisposing syndrome. Also called: Neoplastic Syndromes, Hereditary; Tumor predisposition; Hereditary Cancer Syndrome; Hereditary neoplastic syndrome. Identifiers: Orphanet 140162, MedGen C0027672, MeSH D009386, MONDO:0015356.

Allele frequency attached by ClinVar (database versions not stated): gnomAD exomes below 0.00001.
gnomAD v4.1: 1 of 1,606,640 alleles (0.000062%); highest among the groups gnomAD compares: South Asian, 0.0011%; no homozygotes.

Submission:

Ambry Genetics
Classification: Uncertain significance for Hereditary cancer-predisposing syndrome. Last evaluated: 2025-12-06. Review status: criteria provided, single submitter. Criteria: Ambry Variant Classification Scheme 2023. Collection method: clinical testing. Allele origin: germline.
Comment: The p.L1023F variant (also known as c.3069G>T), located in coding exon 15 of the BLM gene, results from a G to T substitution at nucleotide position 3069. The leucine at codon 1023 is replaced by phenylalanine, an amino acid with highly similar properties. This amino acid position is conserved. In addition, this alteration is predicted to be deleterious by in silico analysis. Since supporting evidence is limited at this time, the clinical significance of this alteration remains unclear.